The following is an entry in ClinVar:

NM_001321120.2(TBX4):c.1027G>A (p.Gly343Ser)

Gene: TBX4 (T-box transcription factor 4; plus strand). Cytogenetic location: 17q23.2.
Variant type: single nucleotide variant.
Coding change: c.1027G>A on transcript NM_001321120.2 (MANE Select); coding-DNA position 1027, G replaced by A.
Protein change: p.Gly343Ser; replaces glycine 343 with serine.
Molecular consequence: missense variant.
Genome position (GRCh38, 1-based): chr17:61,482,902, G>A. VCF-style: chr17-61482902-G-A. GRCh37 (hg19) VCF-style: chr17-59560263-G-A.
Other names: c.1024G>A, p.Gly342Ser (NM_018488.3); short protein forms G342S, G343S.
Identifiers: ClinVar variation 3616202 (VCV003616202.2).

ClinVar aggregate classification (germline): Uncertain significance (1 of 4 stars; one submission).

gnomAD v4.1: 53 of 1,613,520 alleles (0.0033%); highest among the groups gnomAD compares: Admixed American, 0.01%; no homozygotes.

Submission:

Labcorp Genetics (formerly Invitae), Labcorp
Classification: Uncertain significance. Last evaluated: 2024-10-15. Review status: criteria provided, single submitter. Criteria: Invitae Variant Classification Sherloc (09022015). Collection method: clinical testing. Allele origin: germline.
Comment: This sequence change replaces glycine, which is neutral and non-polar, with serine, which is neutral and polar, at codon 342 of the TBX4 protein (p.Gly342Ser). This variant is present in population databases (rs767227688, gnomAD 0.02%). This variant has not been reported in the literature in individuals affected with TBX4-related conditions. An algorithm developed to predict the effect of missense changes on protein structure and function outputs the following: PolyPhen-2: "Benign". The serine amino acid residue is found in multiple mammalian species, which suggests that this missense change does not adversely affect protein function. In summary, the available evidence is currently insufficient to determine the role of this variant in disease. Therefore, it has been classified as a Variant of Uncertain Significance.